The following is an entry in ClinVar:

NM_005012.4(ROR1):c.469A>G (p.Ser157Gly)

Gene: ROR1 (ROR family WNT receptor 1; plus strand). Cytogenetic location: 1p31.3.
Variant type: single nucleotide variant.
Coding change: c.469A>G on transcript NM_005012.4 (MANE Select); coding-DNA position 469, A replaced by G.
Protein change: p.Ser157Gly; replaces serine 157 with glycine.
Molecular consequence: missense variant.
Genome position (GRCh38, 1-based): chr1:64,050,703, A>G. VCF-style: chr1-64050703-A-G. GRCh37 (hg19) VCF-style: chr1-64516375-A-G.
Other names: c.469A>G, p.Ser157Gly (NM_001083592.2); c.469A>G (NM_005012.3); short protein forms S157G.
Identifiers: ClinVar variation 1914827 (VCV001914827.6), dbSNP rs1466132520, ClinGen allele CA340712709.

ClinVar aggregate classification (germline): Uncertain significance. Review status: criteria provided, multiple submitters, no conflicts (2 of 4 stars). 2 submissions from 2 submitters: Uncertain significance (2). Last evaluated 2026-06-16.

Conditions:
ROR1-related disorder. Also called: ROR1-related condition.

Allele frequency attached by ClinVar (database versions not stated): gnomAD exomes 0.00003; TOPMed 0.00013; gnomAD 0.00018.
gnomAD v4.1: 42 of 1,613,736 alleles (0.0026%); highest among the groups gnomAD compares: Admixed American, 0.07%; no homozygotes.

Submissions (2):

PreventionGenetics, part of Exact Sciences
Classification: Uncertain significance for ROR1-related condition. Last evaluated: 2026-06-16. Review status: criteria provided, single submitter. Criteria: ACMG Guidelines, 2015. Collection method: clinical testing. Allele origin: germline.
Comment: The ROR1 c.469A>G variant is predicted to result in the amino acid substitution p.Ser157Gly. To our knowledge, this variant has not been reported in the literature. This variant is reported in 0.043% of alleles in individuals of Latino descent in gnomAD. At this time, the clinical significance of this variant is uncertain due to the absence of conclusive functional and genetic evidence.

Labcorp Genetics (formerly Invitae), Labcorp
Classification: Uncertain significance. Last evaluated: 2025-01-06. Review status: criteria provided, single submitter. Criteria: Invitae Variant Classification Sherloc (09022015). Collection method: clinical testing. Allele origin: germline.
Comment: This sequence change replaces serine, which is neutral and polar, with glycine, which is neutral and non-polar, at codon 157 of the ROR1 protein (p.Ser157Gly). This variant is present in population databases (no rsID available, gnomAD 0.04%). This variant has not been reported in the literature in individuals affected with ROR1-related conditions. ClinVar contains an entry for this variant (Variation ID: 1914827). Invitae Evidence Modeling of protein sequence and biophysical properties (such as structural, functional, and spatial information, amino acid conservation, physicochemical variation, residue mobility, and thermodynamic stability) indicates that this missense variant is not expected to disrupt ROR1 protein function with a negative predictive value of 80%. In summary, the available evidence is currently insufficient to determine the role of this variant in disease. Therefore, it has been classified as a Variant of Uncertain Significance.